The following is an entry in ClinVar:

ClinVar aggregate classification (germline): Uncertain significance. Review status: criteria provided, multiple submitters, no conflicts (2 of 4 stars). 2 submissions from 2 submitters: Uncertain significance (2). Last evaluated 2025-03-01.

gnomAD v4.1: 1 of 1,612,158 alleles (0.000062%); highest among the groups gnomAD compares: South Asian, 0.0011%; no homozygotes.

Submissions (2):

Ambry Genetics
Classification: Uncertain significance. Last evaluated: 2025-03-01. Review status: criteria provided, single submitter. Criteria: Ambry Variant Classification Scheme 2023. Collection method: clinical testing. Allele origin: germline.
Comment: The p.S865R variant (also known as c.2595C>G), located in coding exon 13 of the GEN1 gene, results from a C to G substitution at nucleotide position 2595. The serine at codon 865 is replaced by arginine, an amino acid with dissimilar properties. This amino acid position is conserved. In addition, this alteration is predicted to be tolerated by in silico analysis. Based on the available evidence, the clinical significance of this variant remains unclear.

Labcorp Genetics (formerly Invitae), Labcorp
Classification: Uncertain significance. Last evaluated: 2024-07-15. Review status: criteria provided, single submitter. Criteria: Invitae Variant Classification Sherloc (09022015). Collection method: clinical testing. Allele origin: germline.
Comment: This sequence change replaces serine, which is neutral and polar, with arginine, which is basic and polar, at codon 865 of the GEN1 protein (p.Ser865Arg). This variant is not present in population databases (gnomAD no frequency). This variant has not been reported in the literature in individuals affected with GEN1-related conditions. An algorithm developed to predict the effect of missense changes on protein structure and function (PolyPhen-2) suggests that this variant is likely to be tolerated. In summary, the available evidence is currently insufficient to determine the role of this variant in disease. Therefore, it has been classified as a Variant of Uncertain Significance.

NM_001130009.3(GEN1):c.2595C>G (p.Ser865Arg)

Gene: GEN1 (GEN1 structure-specific endonuclease; plus strand). Cytogenetic location: 2p24.2.
Variant type: single nucleotide variant.
Coding change: c.2595C>G on transcript NM_001130009.3 (MANE Select); coding-DNA position 2595, C replaced by G.
Protein change: p.Ser865Arg; replaces serine 865 with arginine.
Molecular consequence: missense variant.
Genome position (GRCh38, 1-based): chr2:17,781,807, C>G. VCF-style: chr2-17781807-C-G. GRCh37 (hg19) VCF-style: chr2-17963074-C-G.
Other names: c.2595C>G, p.Ser865Arg (NM_182625.5); c.2595C>G (NM_001130009.1); short protein forms S865R.
Identifiers: ClinVar variation 3688746 (VCV003688746.3).